The following continues an entry in ClinVar:

NM_000059.4(BRCA2):c.5418A>G (p.Glu1806=)

Gene: BRCA2. ClinVar aggregate classification (germline): Benign. Benign (1).

Submissions 19 to 33 of 33:

Molecular Genetics Laboratory, University of Michigan
Classification: Benign for Breast-ovarian cancer, familial, susceptibility to, 2. Last evaluated: 2016-04-21. Review status: criteria provided, single submitter. Criteria: ACMG Guidelines, 2015. Collection method: clinical testing. Allele origin: germline. Affected: yes. Not counted in ClinVar's aggregate classification.

CHEO Genetics Diagnostic Laboratory, Children's Hospital of Eastern Ontario
Classification: Benign for Breast and/or ovarian cancer. Last evaluated: 2016-01-26. Review status: criteria provided, single submitter. Criteria: ACMG Guidelines, 2015. Collection method: clinical testing. Allele origin: germline. Study: Canadian Open Genetics Repository. Not counted in ClinVar's aggregate classification.

Eurofins Ntd Llc (ga)
Classification: Benign. Last evaluated: 2015-04-29. Review status: criteria provided, single submitter. Criteria: EGL Classification Definitions 2015. Collection method: clinical testing. Allele origin: germline. Observed: 5 variant alleles, 5 heterozygotes. Not counted in ClinVar's aggregate classification.

Color Diagnostics, LLC DBA Color Health
Classification: Benign for Hereditary cancer-predisposing syndrome. Last evaluated: 2015-04-27. Review status: criteria provided, single submitter. Criteria: ACMG Guidelines, 2015. Collection method: clinical testing. Allele origin: germline. Not counted in ClinVar's aggregate classification.

GeneDx
Classification: Benign. Last evaluated: 2015-03-03. Review status: criteria provided, single submitter. Criteria: GeneDx Variant Classification Process June 2021. Collection method: clinical testing. Allele origin: germline. Affected: yes. Not counted in ClinVar's aggregate classification.
Comment: This variant is associated with the following publications: (PMID: 28324225)

Ambry Genetics
Classification: Benign for Hereditary cancer-predisposing syndrome. Last evaluated: 2014-11-19. Review status: criteria provided, single submitter. Criteria: Ambry Variant Classification Scheme 2023. Collection method: clinical testing. Allele origin: germline. Not counted in ClinVar's aggregate classification.

Women's Health and Genetics/Laboratory Corporation of America, LabCorp
Classification: Benign for Hereditary breast ovarian cancer syndrome. Last evaluated: 2014-04-11. Review status: criteria provided, single submitter. Criteria: LabCorp Variant Classification Summary - May 2015. Collection method: clinical testing. Allele origin: germline. Not counted in ClinVar's aggregate classification.

Breakthrough Genomics
Classification: Benign. Review status: criteria provided, single submitter. Criteria: ACMG Guidelines, 2015. Collection method: not provided. Allele origin: germline. Inheritance: Autosomal recessive inheritance. Affected: yes. Not counted in ClinVar's aggregate classification.

Mayo Clinic Laboratories, Mayo Clinic
Classification: Likely benign. Last evaluated: 2017-12-22. Review status: no assertion criteria provided. Collection method: clinical testing. Allele origin: unknown. Not counted in ClinVar's aggregate classification.

Counsyl
Classification: Benign for Breast-ovarian cancer, familial 2. Last evaluated: 2014-03-17. Review status: no assertion criteria provided. Collection method: literature only. Allele origin: unknown. Inheritance: Autosomal dominant inheritance. Not counted in ClinVar's aggregate classification.

Clinical Genetics DNA and cytogenetics Diagnostics Lab, Erasmus MC, Erasmus Medical Center
Classification: Benign. Review status: no assertion criteria provided. Collection method: clinical testing. Allele origin: germline. Affected: yes. Study: VKGL Data-share Consensus. Not counted in ClinVar's aggregate classification.

Clinical Genetics Laboratory, Department of Pathology, Netherlands Cancer Institute
Classification: Benign. Review status: no assertion criteria provided. Collection method: clinical testing. Allele origin: germline. Affected: yes. Study: VKGL Data-share Consensus. Not counted in ClinVar's aggregate classification.

Department of Pathology and Laboratory Medicine, Sinai Health System
Classification: Benign for Malignant tumor of breast. Review status: no assertion criteria provided. Collection method: clinical testing. Allele origin: unknown. Affected: yes. Study: The Canadian Open Genetics Repository (COGR). Not counted in ClinVar's aggregate classification.
Comment: The p.Glu1806Glu variant is not expected to have clinical significance because it does not alter an amino acid residue and is not located near a splice junction. It has been reported in the literature in 7/7334 proband chromosomes of individuals with breast cancer; it was not found in any of the 148 control chromosomes tested (Borg_2010, Caux-Moncoutier_2011, Fackenthal_2005). It is listed in the dbSNP database as coming from a "clinical source" (ID#: rs34351119) with a global minor allele frequency (MAF) of 0.006, increasing the likelihood that this is a low frequency benign variant. The variant was also identified in the UMD (x18), Exome Server and the BOCs databases. In the UMD database, this variant was identified in one individual with a second pathogenic variant in the BRCA2 gene, c.2808_2811delACAA (p.Ala938ProfsX21), increasing the likelihood that the p.Ser1538Ser variant is a benign alteration. In summary, based on the above information, we would lean towards a more benign role for this variant. In summary, this variant is classified as Benign.

Genome Diagnostics Laboratory, University Medical Center Utrecht
Classification: Benign. Review status: no assertion criteria provided. Collection method: clinical testing. Allele origin: germline. Affected: yes. Study: VKGL Data-share Consensus. Not counted in ClinVar's aggregate classification.

Joint Genome Diagnostic Labs from Nijmegen and Maastricht, Radboudumc and MUMC+
Classification: Benign. Review status: no assertion criteria provided. Collection method: clinical testing. Allele origin: germline. Affected: yes. Study: VKGL Data-share Consensus. Not counted in ClinVar's aggregate classification.

Literature cited by the submitters: DOI 10.3389/fgene.2022.834265 (cited by National Health Laboratory Service, Universitas Academic Hospital and University of the Free State); PubMed 36329109 (cited by Genetics Program, Instituto Nacional de Cancer); PubMed 20104584 (cited by Women's Health and Genetics/Laboratory Corporation of America, LabCorp); PubMed 18284688 (cited by Women's Health and Genetics/Laboratory Corporation of America, LabCorp); PubMed 22034289 (cited by Women's Health and Genetics/Laboratory Corporation of America, LabCorp); PubMed 21120943 (cited by Women's Health and Genetics/Laboratory Corporation of America, LabCorp); PubMed 15744044 (cited by Women's Health and Genetics/Laboratory Corporation of America, LabCorp); PubMed 22874498 (cited by Women's Health and Genetics/Laboratory Corporation of America, LabCorp); PubMed 23942203 (cited by Women's Health and Genetics/Laboratory Corporation of America, LabCorp); PubMed 22913592 (cited by Women's Health and Genetics/Laboratory Corporation of America, LabCorp).